The following is an entry in ClinVar:

ClinVar aggregate classification (germline): Likely pathogenic. Review status: criteria provided, multiple submitters, no conflicts (2 of 4 stars). 2 submissions from 2 submitters: Likely pathogenic (2). Last evaluated 2024-10-03.

Conditions:
Glycine encephalopathy. Also called: Non-ketotic hyperglycinemia; Nonketotic hyperglycinemia. Identifiers: Orphanet 407, MedGen C0751748, MONDO:0011612, HP:0008288.
Glycine encephalopathy 1 (GCE1). Identifiers: MedGen CN376801, MONDO:0958179, OMIM 605899.

gnomAD v4.1: 2 of 1,594,442 alleles (0.00013%); highest among the groups gnomAD compares: Non-Finnish European, 0.00017%; no homozygotes.

Submissions (2):

Natera, Inc.
Classification: Likely pathogenic for Non-ketotic hyperglycinemia. Last evaluated: 2024-10-03. Review status: criteria provided, single submitter. Criteria: Natera Variant Classification Schema (03/2026). Collection method: clinical testing. Allele origin: germline.
Comment: The c.2849A>G variant in GLDC is a missense variant predicted to cause substitution of histidine to arginine at amino acid 950. This variant is rare in the general population with a frequency below the threshold expected for the associated phenotype(s). This variant has been observed in one or more individuals affected with the associated recessive disease, as either homozygous or compound heterozygous with a second variant (PMID: 27362913, 26179960). Functional studies show that this variant may disrupt protein function (PMID: 26179960). Computational prediction algorithms indicate this variant is likely to affect gene or protein function. Given the available evidence, this variant is classified as Likely Pathogenic.

Fulgent Genetics
Classification: Likely pathogenic for Glycine encephalopathy 1. Last evaluated: 2024-01-11. Review status: criteria provided, single submitter. Criteria: ACMG Guidelines, 2015. Collection method: clinical testing. Allele origin: germline.

Literature cited by the submitters: PubMed 27362913 (cited by Natera, Inc.); PubMed 26179960 (cited by Natera, Inc.).

NM_000170.3(GLDC):c.2849A>G (p.His950Arg)

Gene: GLDC (glycine decarboxylase; minus strand). Cytogenetic location: 9p24.1.
Variant type: single nucleotide variant.
Coding change: c.2849A>G on transcript NM_000170.3 (MANE Select); coding-DNA position 2849, A replaced by G.
Protein change: p.His950Arg; replaces histidine 950 with arginine.
Molecular consequence: missense variant.
Genome position (GRCh38, 1-based): chr9:6,534,778, T>C on the plus strand (A>G on the coding strand, the complement: GLDC is on the minus strand). VCF-style: chr9-6534778-T-C. GRCh37 (hg19) VCF-style: chr9-6534778-T-C.
Other names: short protein forms H950R.
Identifiers: ClinVar variation 3597477 (VCV003597477.3).